The following is an entry in ClinVar:

NM_000032.5(ALAS2):c.538C>T (p.His180Tyr)

Gene: ALAS2 (5'-aminolevulinate synthase 2; minus strand). Cytogenetic location: Xp11.21.
Variant type: single nucleotide variant.
Coding change: c.538C>T on transcript NM_000032.5 (MANE Select); coding-DNA position 538, C replaced by T.
Protein change: p.His180Tyr; replaces histidine 180 with tyrosine.
Molecular consequence: missense variant.
Genome position (GRCh38, 1-based): chrX:55,021,152, G>A on the plus strand (C>T on the coding strand, the complement: ALAS2 is on the minus strand). VCF-style: chrX-55021152-G-A. GRCh37 (hg19) VCF-style: chrX-55047585-G-A.
Other names: c.427C>T, p.His143Tyr (NM_001037967.4); c.499C>T, p.His167Tyr (NM_001037968.4); short protein forms H143Y, H180Y, H167Y.
Identifiers: ClinVar variation 2781161 (VCV002781161.3), dbSNP rs372974985, ClinGen allele CA10428408.

ClinVar aggregate classification (germline): Uncertain significance (1 of 4 stars; one submission).

Allele frequency attached by ClinVar (database versions not stated): ExAC 0.00001; gnomAD exomes 0.00001; gnomAD 0.00002; TOPMed 0.00002; ESP Exome Variant Server 0.00009; 1000 Genomes Project 0.00026; 1000 Genomes Project 30x 0.00042.
gnomAD v4.1: 17 of 1,210,106 alleles (0.0014%); highest among the groups gnomAD compares: Admixed American, 0.0044%; no homozygotes.

Submission:

Labcorp Genetics (formerly Invitae), Labcorp
Classification: Uncertain significance. Last evaluated: 2023-04-24. Review status: criteria provided, single submitter. Criteria: Invitae Variant Classification Sherloc (09022015). Collection method: clinical testing. Allele origin: germline.
Comment: Advanced modeling of protein sequence and biophysical properties (such as structural, functional, and spatial information, amino acid conservation, physicochemical variation, residue mobility, and thermodynamic stability) performed at Invitae indicates that this missense variant is expected to disrupt ALAS2 protein function. In summary, the available evidence is currently insufficient to determine the role of this variant in disease. Therefore, it has been classified as a Variant of Uncertain Significance. This variant has not been reported in the literature in individuals affected with ALAS2-related conditions. This sequence change replaces histidine, which is basic and polar, with tyrosine, which is neutral and polar, at codon 180 of the ALAS2 protein (p.His180Tyr). This variant is present in population databases (rs372974985, gnomAD 0.008%).